The following is an entry in ClinVar:

ClinVar aggregate classification (germline): Uncertain significance. Review status: criteria provided, multiple submitters, no conflicts (2 of 4 stars). 2 submissions from 2 submitters: Uncertain significance (2). Last evaluated 2025-04-01.

Conditions:
Familial thoracic aortic aneurysm and aortic dissection (TAAD). Also called: Thoracic aortic aneurysms and dissections. Identifiers: Orphanet 91387, MedGen C4707243, MONDO:0019625.
Aortic aneurysm, familial thoracic 7 (AAT7). Also called: AORTIC DISSECTION, FAMILIAL, WITH OR WITHOUT AORTIC ANEURYSM. Identifiers: MedGen C3151077, MONDO:0013418, OMIM 613780.

Allele frequency attached by ClinVar (database versions not stated): TOPMed 0.00003.
gnomAD v4.1: 6 of 1,614,076 alleles (0.00037%); highest among the groups gnomAD compares: African/African-American, 0.008%; no homozygotes.

Submissions (2):

Labcorp Genetics (formerly Invitae), Labcorp
Classification: Uncertain significance for Aortic aneurysm, familial thoracic 7. Last evaluated: 2025-04-01. Review status: criteria provided, single submitter. Criteria: Invitae Variant Classification Sherloc (09022015). Collection method: clinical testing. Allele origin: germline.
Comment: This sequence change replaces aspartic acid, which is acidic and polar, with tyrosine, which is neutral and polar, at codon 1681 of the MYLK protein (p.Asp1681Tyr). This variant is present in population databases (rs150392984, gnomAD 0.01%). This variant has not been reported in the literature in individuals affected with MYLK-related conditions. ClinVar contains an entry for this variant (Variation ID: 572742). Invitae Evidence Modeling of protein sequence and biophysical properties (such as structural, functional, and spatial information, amino acid conservation, physicochemical variation, residue mobility, and thermodynamic stability) indicates that this missense variant is not expected to disrupt MYLK protein function with a negative predictive value of 95%. In summary, the available evidence is currently insufficient to determine the role of this variant in disease. Therefore, it has been classified as a Variant of Uncertain Significance.

Ambry Genetics
Classification: Uncertain significance for Familial thoracic aortic aneurysm and aortic dissection. Last evaluated: 2024-03-20. Review status: criteria provided, single submitter. Criteria: Ambry Variant Classification Scheme 2023. Collection method: clinical testing. Allele origin: germline.
Comment: The p.D1681Y variant (also known as c.5041G>T), located in coding exon 27 of the MYLK gene, results from a G to T substitution at nucleotide position 5041. The aspartic acid at codon 1681 is replaced by tyrosine, an amino acid with highly dissimilar properties. This amino acid position is conserved. In addition, this alteration is predicted to be deleterious by in silico analysis. Based on the available evidence, the clinical significance of this alteration remains unclear.

NM_053025.4(MYLK):c.5041G>T (p.Asp1681Tyr)

Genes: MYLK-AS1 (MYLK antisense RNA 1; plus strand), MYLK (myosin light chain kinase; minus strand), LOC126806791 (MED14-independent group 3 enhancer GRCh37_chr3:123347871-123349070; plus strand). Cytogenetic location: 3q21.1.
Variant type: single nucleotide variant.
Coding change: c.5041G>T on transcript NM_053025.4 (MANE Select); coding-DNA position 5041, G replaced by T.
Protein change: p.Asp1681Tyr; replaces aspartic acid 1681 with tyrosine.
Molecular consequence: missense variant. On other transcripts: non-coding transcript variant (2), intron variant (2).
Genome position (GRCh38, 1-based): chr3:123,629,547, C>A on the plus strand (G>T on the coding strand, the complement: MYLK is on the minus strand). VCF-style: chr3-123629547-C-A. GRCh37 (hg19) VCF-style: chr3-123348394-C-A.
Other names: c.4513G>T, p.Asp1505Tyr (NM_001321309.2); c.4834G>T, p.Asp1612Tyr (NM_053026.4); c.4755-2606G>T (NM_053028.4); c.4962-2606G>T (NM_053027.4); short protein forms D1681Y, D1505Y, D1612Y.
Identifiers: ClinVar variation 572742 (VCV000572742.10), dbSNP rs150392984, ClinGen allele CA072433.